The following is an entry in ClinVar:

NM_014444.5(TUBGCP4):c.83C>G (p.Ser28Trp)

Gene: TUBGCP4 (tubulin gamma complex component 4; plus strand). Cytogenetic location: 15q15.3.
Variant type: single nucleotide variant.
Coding change: c.83C>G on transcript NM_014444.5 (MANE Select); coding-DNA position 83, C replaced by G.
Protein change: p.Ser28Trp; replaces serine 28 with tryptophan.
Molecular consequence: missense variant.
Genome position (GRCh38, 1-based): chr15:43,376,102, C>G. VCF-style: chr15-43376102-C-G. GRCh37 (hg19) VCF-style: chr15-43668300-C-G.
Other names: c.83C>G, p.Ser28Trp (NM_001286414.3); short protein forms S28W.
Identifiers: ClinVar variation 2132050 (VCV002132050.4), dbSNP rs201099512, ClinGen allele CA392114232.

ClinVar aggregate classification (germline): Uncertain significance (1 of 4 stars; one submission).

gnomAD v4.1: 4 of 1,613,858 alleles (0.00025%); highest among the groups gnomAD compares: South Asian, 0.0022%; no homozygotes.

Submission:

Labcorp Genetics (formerly Invitae), Labcorp
Classification: Uncertain significance. Last evaluated: 2022-04-30. Review status: criteria provided, single submitter. Criteria: Invitae Variant Classification Sherloc (09022015). Collection method: clinical testing. Allele origin: germline.
Comment: In summary, the available evidence is currently insufficient to determine the role of this variant in disease. Therefore, it has been classified as a Variant of Uncertain Significance. Algorithms developed to predict the effect of missense changes on protein structure and function are either unavailable or do not agree on the potential impact of this missense change (SIFT: "Deleterious"; PolyPhen-2: "Possibly Damaging"; Align-GVGD: "Class C0"). This variant has not been reported in the literature in individuals affected with TUBGCP4-related conditions. This variant is not present in population databases (gnomAD no frequency). This sequence change replaces serine, which is neutral and polar, with tryptophan, which is neutral and slightly polar, at codon 28 of the TUBGCP4 protein (p.Ser28Trp).